The following is an entry in ClinVar:

ClinVar aggregate classification (germline): Uncertain significance. Review status: criteria provided, multiple submitters, no conflicts (2 of 4 stars). 3 submissions from 3 submitters: Uncertain significance (2). 1 of the submissions does not count toward it. Last evaluated 2025-02-04.

Conditions:
PLEC-related disorder. Also called: PLEC-related disorders; PLEC-related condition.
Autosomal recessive limb-girdle muscular dystrophy type 2Q (LGMDR17). Also called: MUSCULAR DYSTROPHY, LIMB-GIRDLE, AUTOSOMAL RECESSIVE 17. Identifiers: Orphanet 254361, MedGen C3150989, MONDO:0013390, OMIM 613723.
Epidermolysis bullosa simplex 5C, with pyloric atresia (EBS5C). Also called: PLEC-Related Epidermolysis Bullosa with Pyloric Atresia; Epidermolysis bullosa simplex with pyloric atresia; PLEC1-Related Epidermolysis Bullosa with Pyloric Atresia. Identifiers: Orphanet 158684, MedGen C2677349, MONDO:0012807, OMIM 612138.
Epidermolysis bullosa simplex, Ogna type (EBS5A). Also called: Pidermolysis bullosa simplex 5A, Ogna type; EPIDERMOLYSIS BULLOSA SIMPLEX 5A, OGNA TYPE. Identifiers: Orphanet 79401, MedGen C0432317, MONDO:0007555, OMIM 131950.
Epidermolysis bullosa simplex with nail dystrophy (EBS5D). Identifiers: MedGen C4225309, MONDO:0014661, OMIM 616487.
Epidermolysis bullosa simplex 5B, with muscular dystrophy (EBS5B). Also called: Epidermolysis bullosa simplex with muscular dystrophy; EPIDERMOLYSIS BULLOSA SIMPLEX AND LIMB-GIRDLE MUSCULAR DYSTROPHY. Identifiers: Orphanet 257, MedGen C2931072, MONDO:0009181, OMIM 226670.

Allele frequency attached by ClinVar (database versions not stated): gnomAD exomes 0.00001 and 0.00002; ExAC 0.00002; gnomAD 0.00002; TOPMed 0.00005.
gnomAD v4.1: 14 of 1,613,640 alleles (0.00087%); highest among the groups gnomAD compares: African/African-American, 0.0053%; no homozygotes.

Submissions (3):

Revvity Omics, Revvity
Classification: Uncertain significance. Last evaluated: 2025-02-04. Review status: criteria provided, single submitter. Criteria: ACMG Guidelines, 2015. Collection method: clinical testing. Allele origin: germline.

Labcorp Genetics (formerly Invitae), Labcorp
Classification: Uncertain significance for Autosomal recessive limb-girdle muscular dystrophy type 2Q; Epidermolysis bullosa simplex, Ogna type; Epidermolysis bullosa simplex with nail dystrophy; Epidermolysis bullosa simplex 5C, with pyloric atresia; Epidermolysis bullosa simplex 5B, with muscular dystrophy. Last evaluated: 2024-05-20. Review status: criteria provided, single submitter. Criteria: Invitae Variant Classification Sherloc (09022015). Collection method: clinical testing. Allele origin: germline.
Comment: This sequence change replaces arginine, which is basic and polar, with glutamine, which is neutral and polar, at codon 1369 of the PLEC protein (p.Arg1369Gln). This variant is present in population databases (rs781815166, gnomAD 0.02%). This variant has not been reported in the literature in individuals affected with PLEC-related conditions. ClinVar contains an entry for this variant (Variation ID: 1498424). Advanced modeling of protein sequence and biophysical properties (such as structural, functional, and spatial information, amino acid conservation, physicochemical variation, residue mobility, and thermodynamic stability) performed at Invitae indicates that this missense variant is not expected to disrupt PLEC protein function with a negative predictive value of 80%. In summary, the available evidence is currently insufficient to determine the role of this variant in disease. Therefore, it has been classified as a Variant of Uncertain Significance.

PreventionGenetics, part of Exact Sciences
Classification: Uncertain significance for PLEC-related condition. Last evaluated: 2024-09-26. Review status: no assertion criteria provided. Collection method: clinical testing. Allele origin: germline. Not counted in ClinVar's aggregate classification.
Comment: The PLEC c.4106G>A variant is predicted to result in the amino acid substitution p.Arg1369Gln. To our knowledge, this variant has not been reported in the literature. This variant is reported in 0.017% of alleles in individuals of East Asian descent in gnomAD. At this time, the clinical significance of this variant is uncertain due to the absence of conclusive functional and genetic evidence.

NM_201384.3(PLEC):c.4025G>A (p.Arg1342Gln)

Gene: PLEC (plectin; minus strand). Cytogenetic location: 8q24.3.
Variant type: single nucleotide variant.
Coding change: c.4025G>A on transcript NM_201384.3 (MANE Select); coding-DNA position 4025, G replaced by A.
Protein change: p.Arg1342Gln; replaces arginine 1342 with glutamine.
Molecular consequence: missense variant.
Genome position (GRCh38, 1-based): chr8:143,926,803, C>T on the plus strand (G>A on the coding strand, the complement: PLEC is on the minus strand). VCF-style: chr8-143926803-C-T. GRCh37 (hg19) VCF-style: chr8-145000971-C-T.
Other names: c.4106G>A, p.Arg1369Gln (NM_000445.5); c.3983G>A, p.Arg1328Gln (NM_201378.4); c.3959G>A, p.Arg1320Gln (NM_201379.3); c.4436G>A, p.Arg1479Gln (NM_201380.4); c.3929G>A, p.Arg1310Gln (NM_201381.3); c.4025G>A, p.Arg1342Gln (NM_201382.4); c.4037G>A, p.Arg1346Gln (NM_201383.3); c.4106G>A (NM_000445.4); short protein forms R1310Q, R1328Q, R1369Q, R1342Q, R1320Q, R1346Q, R1479Q.
Identifiers: ClinVar variation 1498424 (VCV001498424.12), dbSNP rs781815166, ClinGen allele CA4926805.